The following is an entry in ClinVar:

ClinVar aggregate classification (germline): Uncertain significance. Review status: criteria provided, multiple submitters, no conflicts (2 of 4 stars). 2 submissions from 2 submitters: Uncertain significance (2). Last evaluated 2023-08-04.

Conditions:
Inborn genetic diseases. Identifiers: MedGen C0950123, MeSH D030342.

Allele frequency attached by ClinVar (database versions not stated): gnomAD exomes 0.00001 and 0.00008; gnomAD 0.00003; ExAC 0.00007; TOPMed 0.00007.
gnomAD v4.1: 26 of 1,613,792 alleles (0.0016%); highest among the groups gnomAD compares: East Asian, 0.053%; no homozygotes.

Submissions (2):

Labcorp Genetics (formerly Invitae), Labcorp
Classification: Uncertain significance. Last evaluated: 2023-08-04. Review status: criteria provided, single submitter. Criteria: Invitae Variant Classification Sherloc (09022015). Collection method: clinical testing. Allele origin: germline.
Comment: This sequence change replaces serine with tyrosine at codon 1326 of the MYO18B protein (p.Ser1326Tyr). The serine residue is moderately conserved and there is a large physicochemical difference between serine and tyrosine. This variant is present in population databases (rs768617981, gnomAD 0.1%). This variant has not been reported in the literature in individuals affected with MYO18B-related conditions. ClinVar contains an entry for this variant (Variation ID: 1360041). An algorithm developed to predict the effect of missense changes on protein structure and function (PolyPhen-2) suggests that this variant is likely to be disruptive. In summary, the available evidence is currently insufficient to determine the role of this variant in disease. Therefore, it has been classified as a Variant of Uncertain Significance.

Ambry Genetics
Classification: Uncertain significance for Inborn genetic diseases. Last evaluated: 2023-05-17. Review status: criteria provided, single submitter. Criteria: Ambry Variant Classification Scheme 2023. Collection method: clinical testing. Allele origin: germline.

NM_032608.7(MYO18B):c.3977C>A (p.Ser1326Tyr)

Gene: MYO18B (myosin XVIIIB; plus strand). Cytogenetic location: 22q12.1.
Variant type: single nucleotide variant.
Coding change: c.3977C>A on transcript NM_032608.7 (MANE Select); coding-DNA position 3977, C replaced by A.
Protein change: p.Ser1326Tyr; replaces serine 1326 with tyrosine.
Molecular consequence: missense variant.
Genome position (GRCh38, 1-based): chr22:25,874,311, C>A. VCF-style: chr22-25874311-C-A. GRCh37 (hg19) VCF-style: chr22-26270278-C-A.
Other names: c.3977C>A (NM_032608.5); c.3980C>A, p.Ser1327Tyr (NM_001318245.2); short protein forms S1327Y, S1326Y.
Identifiers: ClinVar variation 1360041 (VCV001360041.7), dbSNP rs768617981, ClinGen allele CA10160721.
Genomic context (GRCh38, chr22:25,874,311, plus strand): 5'-GCAGAGGACTCACCTGAAACCTTCCCTCTCCCCAGGTTTTTCTCAAGGCAGGTGTGATCT[C>A]CAGGCTTGAGAAGCAGCGAGAGAAGCTGGTATCTCAGAGCATCGTTCTCTTCCAGGCGGC-3'
Protein context (NP_115997.5, residues 1316-1336): SQVFLKAGVI[Ser1326Tyr]RLEKQREKLV